The following is an entry in ClinVar:

NM_152703.5(SAMD9L):c.3955G>C (p.Glu1319Gln)

Gene: SAMD9L (sterile alpha motif domain containing 9 like; minus strand). Cytogenetic location: 7q21.2.
Variant type: single nucleotide variant.
Coding change: c.3955G>C on transcript NM_152703.5 (MANE Select); coding-DNA position 3955, G replaced by C.
Protein change: p.Glu1319Gln; replaces glutamic acid 1319 with glutamine.
Molecular consequence: missense variant.
Genome position (GRCh38, 1-based): chr7:93,132,017, C>G on the plus strand (G>C on the coding strand, the complement: SAMD9L is on the minus strand). VCF-style: chr7-93132017-C-G. GRCh37 (hg19) VCF-style: chr7-92761330-C-G.
Other names: c.3955G>C, p.Glu1319Gln (NM_001303496.3, NM_001303497.3, NM_001303498.3 and 5 more transcripts); short protein forms E1319Q.
Identifiers: ClinVar variation 4630147 (VCV004630147.1).

ClinVar aggregate classification (germline): Uncertain significance (1 of 4 stars; one submission).

Conditions:
Inborn genetic diseases. Identifiers: MedGen C0950123, MeSH D030342.

Submission:

Ambry Genetics
Classification: Uncertain significance for Inborn genetic diseases. Last evaluated: 2025-11-30. Review status: criteria provided, single submitter. Criteria: Ambry Variant Classification Scheme 2023. Collection method: clinical testing. Allele origin: germline.
Comment: The p.E1319Q variant (also known as c.3955G>C), located in coding exon 1 of the SAMD9L gene, results from a G to C substitution at nucleotide position 3955. The glutamic acid at codon 1319 is replaced by glutamine, an amino acid with highly similar properties. This amino acid position is conserved. In addition, this alteration is predicted to be tolerated by in silico analysis. Based on the available evidence, the clinical significance of this variant remains unclear.